The following is an entry in ClinVar:

ClinVar aggregate classification (germline): Likely pathogenic (1 of 4 stars; one submission).

Conditions:
3-methylcrotonyl-CoA carboxylase 2 deficiency. Also called: METHYLCROTONYLGLYCINURIA, TYPE II; 3 alpha methylcrotonyl-CoA carboxylase 2 deficiency; 3 alpha methylcrotonylglycinuria 2; MCC 2 deficiency; Methylcrotonylglycinuria type 2. Identifiers: Orphanet 6, MedGen C1859499, MONDO:0008862, OMIM 210210.

Submission:

Labcorp Genetics (formerly Invitae), Labcorp
Classification: Likely pathogenic for 3-methylcrotonyl-CoA carboxylase 2 deficiency. Last evaluated: 2023-12-24. Review status: criteria provided, single submitter. Criteria: Invitae Variant Classification Sherloc (09022015). Collection method: clinical testing. Allele origin: germline.
Comment: This sequence change replaces threonine, which is neutral and polar, with asparagine, which is neutral and polar, at codon 556 of the MCCC2 protein (p.Thr556Asn). This variant is not present in population databases (gnomAD no frequency). This variant has not been reported in the literature in individuals affected with MCCC2-related conditions. Advanced modeling of protein sequence and biophysical properties (such as structural, functional, and spatial information, amino acid conservation, physicochemical variation, residue mobility, and thermodynamic stability) performed at Invitae indicates that this missense variant is expected to disrupt MCCC2 protein function with a positive predictive value of 95%. This variant disrupts the p.Thr556 amino acid residue in MCCC2. Other variant(s) that disrupt this residue have been determined to be pathogenic (PMID: 25381946; Invitae). This suggests that this residue is clinically significant, and that variants that disrupt this residue are likely to be disease-causing. In summary, the currently available evidence indicates that the variant is pathogenic, but additional data are needed to prove that conclusively. Therefore, this variant has been classified as Likely Pathogenic.

Literature cited by the submitters: PubMed 25381946.

NM_022132.5(MCCC2):c.1667C>A (p.Thr556Asn)

Gene: MCCC2 (methylcrotonyl-CoA carboxylase subunit 2; plus strand). Cytogenetic location: 5q13.2.
Variant type: single nucleotide variant.
Coding change: c.1667C>A on transcript NM_022132.5 (MANE Select); coding-DNA position 1667, C replaced by A.
Protein change: p.Thr556Asn; replaces threonine 556 with asparagine.
Molecular consequence: missense variant.
Genome position (GRCh38, 1-based): chr5:71,656,835, C>A. VCF-style: chr5-71656835-C-A. GRCh37 (hg19) VCF-style: chr5-70952662-C-A.
Other names: c.1553C>A, p.Thr518Asn (NM_001363147.1); short protein forms T556N, T518N.
Identifiers: ClinVar variation 2705221 (VCV002705221.3), dbSNP rs1049171546, ClinGen allele CA360004775.
Genomic context (GRCh38, chr5:71,656,835, plus strand): 5'-ACACCAGACTGGTCTTGGGTCTCAGTTTTAGTGCAGCCCTCAACGCACCAATAGAGAAGA[C>A]TGACTTCGGTATCTTCAGGATGTAACTGGAATAAAGGATGTTTTCTGTTGGACATGTACT-3'
Protein context (NP_071415.1, residues 546-563): SAALNAPIEK[Thr556Asn]DFGIFRM